The following is an entry in ClinVar:

ClinVar aggregate classification (germline): Likely benign. Review status: criteria provided, single submitter (1 of 4 stars). 2 submissions from 2 submitters: Likely benign (1). 1 of the submissions does not count toward it. Last evaluated 2024-11-18.

Conditions:
EXO1-related disorder. Also called: EXO1-related condition.

Allele frequency attached by ClinVar (database versions not stated): 1000 Genomes Project 0.00100; 1000 Genomes Project 30x 0.00109; ExAC 0.00206; ESP Exome Variant Server 0.00284.
gnomAD v4.1: 6,644 of 1,614,220 alleles (0.41%); highest among the groups gnomAD compares: Non-Finnish European, 0.51%; 29 homozygotes.

Submissions (2):

Blueprint Genetics
Classification: Likely benign. Last evaluated: 2024-11-18. Review status: criteria provided, single submitter. Criteria: ACMG Guidelines, 2015. Collection method: clinical testing. Allele origin: germline.

PreventionGenetics, part of Exact Sciences
Classification: Likely benign for EXO1-related condition. Last evaluated: 2020-09-10. Review status: no assertion criteria provided. Collection method: clinical testing. Allele origin: germline. Not counted in ClinVar's aggregate classification.
Comment: This variant is classified as likely benign based on ACMG/AMP sequence variant interpretation guidelines (Richards et al. 2015 PMID: 25741868, with internal and published modifications).

NM_130398.4(EXO1):c.1828A>G (p.Ser610Gly)

Gene: EXO1 (exonuclease 1; plus strand). Cytogenetic location: 1q43.
Variant type: single nucleotide variant.
Coding change: c.1828A>G on transcript NM_130398.4 (MANE Select); coding-DNA position 1828, A replaced by G.
Protein change: p.Ser610Gly; replaces serine 610 with glycine.
Molecular consequence: missense variant.
Genome position (GRCh38, 1-based): chr1:241,879,062, A>G. VCF-style: chr1-241879062-A-G. GRCh37 (hg19) VCF-style: chr1-242042364-A-G.
Other names: c.1825A>G, p.Ser609Gly (NM_001319224.2); c.1828A>G, p.Ser610Gly (NM_003686.4, NM_006027.4); short protein forms S609G, S610G.
Identifiers: ClinVar variation 3057062 (VCV003057062.3), dbSNP rs12122770, ClinGen allele CA1481448.